The following is an entry in ClinVar:

ClinVar aggregate classification (germline): Pathogenic. Review status: reviewed by expert panel (3 of 4 stars). 7 submissions from 7 submitters: Pathogenic (1). 6 of the submissions do not count toward it. Last evaluated 2016-09-08.

Conditions:
Gastric cancer. Also called: Stomach cancer; Malignant tumor of stomach. Identifiers: MedGen C0024623, MeSH D013274, MONDO:0001056, OMIM 613659, HP:0012126.
Hereditary cancer-predisposing syndrome. Also called: Tumor predisposition; Neoplastic Syndromes, Hereditary; Hereditary Cancer Syndrome; Hereditary neoplastic syndrome. Identifiers: Orphanet 140162, MedGen C0027672, MeSH D009386, MONDO:0015356.
Hereditary breast ovarian cancer syndrome. Also called: Hereditary breast and ovarian cancer syndrome (HBOC); Hereditary breast and ovarian cancer syndrome; Hereditary breast and ovarian cancer; Hereditary breast and/or ovarian cancer syndrome; Breast and ovarian cancer; BRCA1- and BRCA2-Associated Hereditary Breast and Ovarian Cancer. Identifiers: Orphanet 145, MedGen C0677776, MeSH D061325, MONDO:0003582. Disease mechanism: loss of function.
Breast-ovarian cancer, familial, susceptibility to, 1 (BROVCA1). Also called: OVARIAN CANCER, SUSCEPTIBILITY TO; BRCA1 Hereditary Breast and Ovarian Cancer. Identifiers: Orphanet 145, MedGen C2676676, MONDO:0011450, OMIM 604370. Disease mechanism: loss of function.

Submissions (7):

Evidence-based Network for the Interpretation of Germline Mutant Alleles (ENIGMA)
Classification: Pathogenic for Breast-ovarian cancer, familial, susceptibility to, 1. Last evaluated: 2016-09-08. Review status: reviewed by expert panel. Criteria: ENIGMA BRCA1/2 Classification Criteria (2015). Collection method: curation. Allele origin: germline.
Comment: Variant allele predicted to encode a truncated non-functional protein.

Labcorp Genetics (formerly Invitae), Labcorp
Classification: Pathogenic for Hereditary breast ovarian cancer syndrome. Last evaluated: 2023-10-04. Review status: criteria provided, single submitter. Criteria: Invitae Variant Classification Sherloc (09022015). Collection method: clinical testing. Allele origin: germline. Not counted in ClinVar's aggregate classification.
Comment: This sequence change creates a premature translational stop signal (p.Phe107Leufs*12) in the BRCA1 gene. It is expected to result in an absent or disrupted protein product. Loss-of-function variants in BRCA1 are known to be pathogenic (PMID: 20104584). This variant is not present in population databases (gnomAD no frequency). This premature translational stop signal has been observed in individual(s) with breast cancer (PMID: 26187060). ClinVar contains an entry for this variant (Variation ID: 54799). For these reasons, this variant has been classified as Pathogenic.

Ambry Genetics
Classification: Pathogenic for Hereditary cancer-predisposing syndrome. Last evaluated: 2022-04-18. Review status: criteria provided, single submitter. Criteria: Ambry Variant Classification Scheme 2023. Collection method: clinical testing. Allele origin: germline. Not counted in ClinVar's aggregate classification.
Comment: The c.321delT pathogenic mutation, located in coding exon 5 of the BRCA1 gene, results from a deletion of one nucleotide at nucleotide position 321, causing a translational frameshift with a predicted alternate stop codon (p.F107Lfs*12). This alteration was identified amongst a cohort of 207 Japanese ovarian cancer patients (Sugino K et al. Sci Rep, 2019 11;9:17808). This variant is considered to be rare based on population cohorts in the Genome Aggregation Database (gnomAD). In addition to the clinical data presented in the literature, this alteration is expected to result in loss of function by premature protein truncation or nonsense-mediated mRNA decay. As such, this alteration is interpreted as a disease-causing mutation.

Color Diagnostics, LLC DBA Color Health
Classification: Pathogenic for Hereditary cancer-predisposing syndrome. Last evaluated: 2020-01-15. Review status: criteria provided, single submitter. Criteria: ACMG Guidelines, 2015. Collection method: clinical testing. Allele origin: germline. Not counted in ClinVar's aggregate classification.
Comment: This variant deletes 1 nucleotide in exon 6 of the BRCA1 gene, creating a frameshift and premature translation stop signal. This variant is expected to result in an absent or non-functional protein product. This variant has not been identified in the general population by the Genome Aggregation Database (gnomAD). Loss of BRCA1 function is a known mechanism of disease. Based on the available evidence, this variant is classified as Pathogenic.

Consortium of Investigators of Modifiers of BRCA1/2 (CIMBA), c/o University of Cambridge
Classification: Pathogenic for Breast-ovarian cancer, familial, susceptibility to, 1. Last evaluated: 2015-10-02. Review status: criteria provided, single submitter. Criteria: CIMBA Mutation Classification guidelines May 2016. Collection method: clinical testing. Allele origin: germline. Not counted in ClinVar's aggregate classification.

Laboratory for Genotyping Development, RIKEN
Classification: Pathogenic for Gastric cancer. Last evaluated: 2021-07-01. Review status: no assertion criteria provided. Collection method: research. Allele origin: germline. Not counted in ClinVar's aggregate classification.

Breast Cancer Information Core (BIC) (BRCA1)
Classification: Pathogenic for Breast-ovarian cancer, familial 1. Last evaluated: 2004-02-20. Review status: no assertion criteria provided. Collection method: clinical testing. Allele origin: germline. Affected: yes. Observed: 1 variant allele. Not counted in ClinVar's aggregate classification.

Literature cited by the submitters: PubMed 20104584 (cited by Labcorp Genetics (formerly Invitae), Labcorp); PubMed 26187060 (cited by Labcorp Genetics (formerly Invitae), Labcorp); PubMed 31780705 (cited by Ambry Genetics); PubMed 36988593 (cited by Laboratory for Genotyping Development, RIKEN).

NM_007294.4(BRCA1):c.321del (p.Phe107fs)

Gene: BRCA1 (BRCA1 DNA repair associated; minus strand). Cytogenetic location: 17q21.31.
Variant type: Deletion.
Coding change: c.321del on transcript NM_007294.4 (MANE Select); coding-DNA position 321, one base deleted (T; older notation c.321delT).
Protein change: p.Phe107fs; shifts the reading frame from phenylalanine 107.
Molecular consequence: frameshift variant. On other transcripts: non-coding transcript variant (1).
Genome position (GRCh38, 1-based): chr17:43,104,242, A deleted on the plus strand (T on the coding strand, the reverse complement: BRCA1 is on the minus strand); the first of 4 consecutive A bases (chr17:43,104,242-43,104,245); deleting any one gives the same sequence. VCF-style (leftmost placement, unchanged base first): chr17-43104241-CA-C. GRCh37 (hg19) VCF-style: chr17-41256258-CA-C.
Other names: 440delT; c.321delT (NM_007294.3); c.108delT, p.Phe37Leufs (NM_001407571.1, NM_001407853.1, NM_001407879.1 and 58 more transcripts); c.318delT, p.Phe107Leufs (NM_001407581.1, NM_001407582.1, NM_001407583.1 and 163 more transcripts); c.309delT, p.Phe104Leufs (NM_001407646.1, NM_001407647.1, NM_001408408.1); c.240delT, p.Phe81Leufs (NM_001407653.1, NM_001407654.1, NM_001407655.1 and 21 more transcripts); c.177delT, p.Phe60Leufs (NM_001407692.1, NM_001407694.1, NM_001407695.1 and 98 more transcripts); c.-64delT (NM_001407959.1, NM_001407960.1, NM_001407962.1 and 4 more transcripts); and 3 more; short protein forms F60fs, F107fs.
Identifiers: ClinVar variation 54799 (VCV000054799.34), dbSNP rs80357544, ClinGen allele CA002085.